The following is an entry in ClinVar:

ClinVar aggregate classification (germline): Uncertain significance. Review status: criteria provided, multiple submitters, no conflicts (2 of 4 stars). 2 submissions from 2 submitters: Uncertain significance (2). Last evaluated 2025-08-13.

Allele frequency attached by ClinVar (database versions not stated): ExAC 0.00003.
gnomAD v4.1: 23 of 1,613,778 alleles (0.0014%); highest among the groups gnomAD compares: Non-Finnish European, 0.00034%; no homozygotes.

Submissions (2):

Ambry Genetics
Classification: Uncertain significance. Last evaluated: 2025-08-13. Review status: criteria provided, single submitter. Criteria: Ambry Variant Classification Scheme 2023. Collection method: clinical testing. Allele origin: germline.

Labcorp Genetics (formerly Invitae), Labcorp
Classification: Uncertain significance. Last evaluated: 2022-07-13. Review status: criteria provided, single submitter. Criteria: Invitae Variant Classification Sherloc (09022015). Collection method: clinical testing. Allele origin: germline.
Comment: This variant is present in population databases (rs779294936, gnomAD 0.06%). This variant has not been reported in the literature in individuals affected with EPHA4-related conditions. Algorithms developed to predict the effect of missense changes on protein structure and function (SIFT, PolyPhen-2, Align-GVGD) all suggest that this variant is likely to be disruptive. In summary, the available evidence is currently insufficient to determine the role of this variant in disease. Therefore, it has been classified as a Variant of Uncertain Significance. This sequence change replaces valine, which is neutral and non-polar, with aspartic acid, which is acidic and polar, at codon 548 of the EPHA4 protein (p.Val548Asp).

NM_004438.5(EPHA4):c.1643T>A (p.Val548Asp)

Gene: EPHA4 (EPH receptor A4; minus strand). Cytogenetic location: 2q36.1.
Variant type: single nucleotide variant.
Coding change: c.1643T>A on transcript NM_004438.5 (MANE Select); coding-DNA position 1643, T replaced by A.
Protein change: p.Val548Asp; replaces valine 548 with aspartic acid.
Molecular consequence: missense variant.
Genome position (GRCh38, 1-based): chr2:221,455,619, A>T on the plus strand (T>A on the coding strand, the complement: EPHA4 is on the minus strand). VCF-style: chr2-221455619-A-T. GRCh37 (hg19) VCF-style: chr2-222320339-A-T.
Other names: c.1643T>A (NM_004438.3); c.1643T>A, p.Val548Asp (NM_001304536.2, NM_001363748.2); c.1490T>A, p.Val497Asp (NM_001304537.2); short protein forms V548D, V497D.
Identifiers: ClinVar variation 1898415 (VCV001898415.6), dbSNP rs779294936, ClinGen allele CA2134996.